The following is an entry in ClinVar:

NM_001134.3(AFP):c.844-10T>C

Gene: AFP (alpha fetoprotein; plus strand). Cytogenetic location: 4q13.3.
Variant type: single nucleotide variant.
Coding change: c.844-10T>C on transcript NM_001134.3 (MANE Select); 10 bases into the intron before coding-DNA position 844, T replaced by C.
Molecular consequence: intron variant.
Genome position (GRCh38, 1-based): chr4:73,447,452, T>C. VCF-style: chr4-73447452-T-C. GRCh37 (hg19) VCF-style: chr4-74313169-T-C.
Other names: c.370-10T>C (NM_001354717.2).
Identifiers: ClinVar variation 3059552 (VCV003059552.2), dbSNP rs7667494, ClinGen allele CA2960072.

ClinVar aggregate classification (germline): Benign (0 of 4 stars; one submission).

Conditions:
AFP-related disorder. Also called: AFP-related condition.

Allele frequency attached by ClinVar (database versions not stated): 1000 Genomes Project 30x 0.99656; 1000 Genomes Project 0.99720; TOPMed 0.99736; ESP Exome Variant Server 0.99746; gnomAD 0.99766; ExAC 0.99939.
gnomAD v4.1: 1,579,078 of 1,579,772 alleles (100%); highest among the groups gnomAD compares: Middle Eastern, 100%; 789,195 homozygotes.

Submission:

PreventionGenetics, part of Exact Sciences
Classification: Benign for AFP-related condition. Last evaluated: 2019-10-28. Review status: no assertion criteria provided. Collection method: clinical testing. Allele origin: germline.
Comment: This variant is classified as benign based on ACMG/AMP sequence variant interpretation guidelines (Richards et al. 2015 PMID: 25741868, with internal and published modifications).